The following is an entry in ClinVar:

ClinVar aggregate classification (germline): Uncertain significance. Review status: criteria provided, multiple submitters, no conflicts (2 of 4 stars). 2 submissions from 2 submitters: Uncertain significance (2). Last evaluated 2023-11-04.

Conditions:
Noonan syndrome (NS). Also called: Noonan's syndrome. Identifiers: Orphanet 648, MedGen C0028326, MeSH D009634, MONDO:0018997. Disease mechanism: gain of function.

Allele frequency attached by ClinVar (database versions not stated): gnomAD exomes 0.00001.
gnomAD v4.1: 10 of 1,437,358 alleles (0.0007%); highest among the groups gnomAD compares: Non-Finnish European, 0.00083%; no homozygotes.

Submissions (2):

Ambry Genetics
Classification: Uncertain significance. Last evaluated: 2023-11-04. Review status: criteria provided, single submitter. Criteria: Ambry Variant Classification Scheme 2023. Collection method: clinical testing. Allele origin: germline.
Comment: The p.K208R variant (also known as c.623A>G), located in coding exon 6 of the RRAS gene, results from an A to G substitution at nucleotide position 623. The lysine at codon 208 is replaced by arginine, an amino acid with highly similar properties. This amino acid position is conserved. In addition, this alteration is predicted to be tolerated by in silico analysis. Since supporting evidence is limited at this time, the clinical significance of this alteration remains unclear.

Labcorp Genetics (formerly Invitae), Labcorp
Classification: Uncertain significance for Noonan syndrome. Last evaluated: 2023-03-01. Review status: criteria provided, single submitter. Criteria: Invitae Variant Classification Sherloc (09022015). Collection method: clinical testing. Allele origin: germline.
Comment: In summary, the available evidence is currently insufficient to determine the role of this variant in disease. Therefore, it has been classified as a Variant of Uncertain Significance. An algorithm developed to predict the effect of missense changes on protein structure and function (PolyPhen-2) suggests that this variant is likely to be tolerated. ClinVar contains an entry for this variant (Variation ID: 577262). This variant has not been reported in the literature in individuals affected with RRAS-related conditions. This variant is not present in population databases (gnomAD no frequency). This sequence change replaces lysine, which is basic and polar, with arginine, which is basic and polar, at codon 208 of the RRAS protein (p.Lys208Arg).

NM_006270.5(RRAS):c.623A>G (p.Lys208Arg)

Gene: RRAS (RAS related; minus strand). Cytogenetic location: 19q13.33.
Variant type: single nucleotide variant.
Coding change: c.623A>G on transcript NM_006270.5 (MANE Select); coding-DNA position 623, A replaced by G.
Protein change: p.Lys208Arg; replaces lysine 208 with arginine.
Molecular consequence: missense variant.
Genome position (GRCh38, 1-based): chr19:49,635,610, T>C on the plus strand (A>G on the coding strand, the complement: RRAS is on the minus strand). VCF-style: chr19-49635610-T-C. GRCh37 (hg19) VCF-style: chr19-50138867-T-C.
Other names: c.623A>G (NM_006270.3); short protein forms K208R.
Identifiers: ClinVar variation 577262 (VCV000577262.9), dbSNP rs1568436746, ClinGen allele CA406845322.